The following is an entry in ClinVar:

ClinVar aggregate classification (germline): Likely benign (1 of 4 stars; one submission).

Conditions:
Hereditary leiomyomatosis and renal cell cancer. Also called: MULTIPLE CUTANEOUS AND UTERINE LEIOMYOMATA 1, WITH OR WITHOUT RENAL CELL CARCINOMA; LEIOMYOMA, MULTIPLE CUTANEOUS; FH tumor predisposition syndrome; Reed syndrome; Multiple cutaneous and uterine leiomyomatosis; Cutaneous leiomyomata with uterine leiomyomata. Identifiers: Orphanet 523, MedGen C1708350, MONDO:0007888, OMIM 150800, HP:0007437. Disease mechanism: loss of function.

Submission:

Myriad Genetics, Inc.
Classification: Likely benign for Hereditary leiomyomatosis and renal cell cancer. Last evaluated: 2024-10-18. Review status: criteria provided, single submitter. Criteria: Myriad Autosomal Dominant, Autosomal Recessive and X-Linked Classification Criteria (2023). Collection method: clinical testing. Allele origin: unknown.
Comment: This variant is considered likely benign. This variant is intronic and is not expected to impact mRNA splicing.

NM_000143.4(FH):c.556-10T>C

Gene: FH (fumarate hydratase; minus strand). Cytogenetic location: 1q43.
Variant type: single nucleotide variant.
Coding change: c.556-10T>C on transcript NM_000143.4 (MANE Select); 10 bases into the intron before coding-DNA position 556, T replaced by C.
Molecular consequence: intron variant.
Genome position (GRCh38, 1-based): chr1:241,508,795, A>G on the plus strand (T>C on the coding strand, the complement: FH is on the minus strand). VCF-style: chr1-241508795-A-G. GRCh37 (hg19) VCF-style: chr1-241672095-A-G.
Identifiers: ClinVar variation 3773348 (VCV003773348.1).
Genomic context (GRCh38, chr1:241,508,795, plus strand): 5'-TTCTATTGCAGCAGCAATGTGCATTGCTGTGGGAAAAGTATCATTTGAGCTCTGTTGGAA[A>G]TTTTTCAAAAGAAATATAAAATGTTAAATCAGAGGCAACAAAAACAAACTTCTGAATTAA-3'